The following is an entry in ClinVar:

NM_006946.4(SPTBN2):c.2090T>C (p.Leu697Pro)

Gene: SPTBN2 (spectrin beta, non-erythrocytic 2; minus strand). Cytogenetic location: 11q13.2.
Variant type: single nucleotide variant.
Coding change: c.2090T>C on transcript NM_006946.4 (MANE Select); coding-DNA position 2090, T replaced by C.
Protein change: p.Leu697Pro; replaces leucine 697 with proline.
Molecular consequence: missense variant.
Genome position (GRCh38, 1-based): chr11:66,705,186, A>G on the plus strand (T>C on the coding strand, the complement: SPTBN2 is on the minus strand). VCF-style: chr11-66705186-A-G. GRCh37 (hg19) VCF-style: chr11-66472657-A-G.
Other names: c.2111T>C, p.Leu704Pro (NM_001411025.1); short protein forms L697P, L704P.
Identifiers: ClinVar variation 2504850 (VCV002504850.1), dbSNP rs1275987122, ClinGen allele CA381478857.

ClinVar aggregate classification (germline): Uncertain significance (1 of 4 stars; one submission).

Allele frequency attached by ClinVar (database versions not stated): gnomAD exomes below 0.00001; TOPMed below 0.00001; gnomAD 0.00001.
gnomAD v4.1: 7 of 1,534,584 alleles (0.00046%); highest among the groups gnomAD compares: Non-Finnish European, 0.00061%; no homozygotes.

Submission:

GeneDx
Classification: Uncertain significance. Last evaluated: 2022-12-09. Review status: criteria provided, single submitter. Criteria: GeneDx Variant Classification Process June 2021. Collection method: clinical testing. Allele origin: germline. Affected: yes.
Comment: Not observed at significant frequency in large population cohorts (gnomAD); In silico analysis supports that this missense variant has a deleterious effect on protein structure/function; Has not been previously published as pathogenic or benign to our knowledge